The following is an entry in ClinVar:

ClinVar aggregate classification (germline): Uncertain significance. Review status: criteria provided, multiple submitters, no conflicts (2 of 4 stars). 3 submissions from 3 submitters: Uncertain significance (3). Last evaluated 2026-09-01.

Conditions:
Inborn genetic diseases. Identifiers: MedGen C0950123, MeSH D030342.
PRX-related disorder. Also called: PRX-related condition; PRX-Related Disorders.
Charcot-Marie-Tooth disease type 4. Also called: Charcot-Marie-Tooth, Type 4; Charcot-Marie-Tooth disease, type IV. Identifiers: Orphanet 64749, MedGen C4082197, MONDO:0018995.

Allele frequency attached by ClinVar (database versions not stated): TOPMed 0.00010; gnomAD 0.00016; 1000 Genomes Project 0.00060; 1000 Genomes Project 30x 0.00062.

Submissions (3):

PreventionGenetics, part of Exact Sciences
Classification: Uncertain significance for PRX-related condition. Last evaluated: 2026-09-01. Review status: criteria provided, single submitter. Criteria: ACMG Guidelines, 2015. Collection method: clinical testing. Allele origin: germline.
Comment: The PRX c.641C>G variant is predicted to result in the amino acid substitution p.Pro214Arg. To our knowledge, this variant has not been reported in the literature. This variant is reported in 0.034% of alleles in individuals of East Asian descent in gnomAD. At this time, the clinical significance of this variant is uncertain due to the absence of conclusive functional and genetic evidence.

Labcorp Genetics (formerly Invitae), Labcorp
Classification: Uncertain significance for Charcot-Marie-Tooth disease type 4. Last evaluated: 2022-08-16. Review status: criteria provided, single submitter. Criteria: Invitae Variant Classification Sherloc (09022015). Collection method: clinical testing. Allele origin: germline.
Comment: This sequence change replaces proline, which is neutral and non-polar, with arginine, which is basic and polar, at codon 214 of the PRX protein (p.Pro214Arg). This variant is present in population databases (rs368874138, gnomAD 0.03%). This variant has not been reported in the literature in individuals affected with PRX-related conditions. ClinVar contains an entry for this variant (Variation ID: 644413). Algorithms developed to predict the effect of missense changes on protein structure and function output the following: SIFT: "Deleterious"; PolyPhen-2: "Possibly Damaging"; Align-GVGD: "Class C0". The arginine amino acid residue is found in multiple mammalian species, which suggests that this missense change does not adversely affect protein function. In summary, the available evidence is currently insufficient to determine the role of this variant in disease. Therefore, it has been classified as a Variant of Uncertain Significance.

Ambry Genetics
Classification: Uncertain significance for Inborn genetic diseases. Last evaluated: 2020-10-28. Review status: criteria provided, single submitter. Criteria: Ambry Variant Classification Scheme 2023. Collection method: clinical testing. Allele origin: germline.
Comment: The p.P214R variant (also known as c.641C>G), located in coding exon 4 of the PRX gene, results from a C to G substitution at nucleotide position 641. The proline at codon 214 is replaced by arginine, an amino acid with dissimilar properties. This amino acid position is not well conserved in available vertebrate species. In addition, this alteration is predicted to be tolerated by in silico analysis. Since supporting evidence is limited at this time, the clinical significance of this alteration remains unclear.

NM_181882.3(PRX):c.641C>G (p.Pro214Arg)

Gene: PRX (periaxin; minus strand). Cytogenetic location: 19q13.2.
Variant type: single nucleotide variant.
Coding change: c.641C>G on transcript NM_181882.3 (MANE Select); coding-DNA position 641, C replaced by G.
Protein change: p.Pro214Arg; replaces proline 214 with arginine.
Molecular consequence: missense variant. On other transcripts: 3 prime UTR variant (1).
Genome position (GRCh38, 1-based): chr19:40,397,711, G>C on the plus strand (C>G on the coding strand, the complement: PRX is on the minus strand). VCF-style: chr19-40397711-G-C. GRCh37 (hg19) VCF-style: chr19-40903618-G-C.
Other names: c.*846C>G (NM_020956.2); short protein forms P214R.
Identifiers: ClinVar variation 644413 (VCV000644413.8), dbSNP rs368874138, ClinGen allele CA9444403.